The following is an entry in ClinVar:

ClinVar aggregate classification (germline): Uncertain significance (1 of 4 stars; one submission).

Submission:

GeneDx
Classification: Uncertain significance. Last evaluated: 2023-07-05. Review status: criteria provided, single submitter. Criteria: GeneDx Variant Classification Process June 2021. Collection method: clinical testing. Allele origin: germline. Affected: yes.
Comment: Not observed at significant frequency in large population cohorts (gnomAD); In silico analysis supports that this missense variant has a deleterious effect on protein structure/function; Has not been previously published as pathogenic or benign to our knowledge; Also known as 5462T>A

NM_000059.4(BRCA2):c.5234T>A (p.Met1745Lys)

Gene: BRCA2 (BRCA2 DNA repair associated; plus strand). Cytogenetic location: 13q13.1.
Variant type: single nucleotide variant.
Coding change: c.5234T>A on transcript NM_000059.4 (MANE Select); coding-DNA position 5234, T replaced by A.
Protein change: p.Met1745Lys; replaces methionine 1745 with lysine.
Molecular consequence: missense variant. On other transcripts: non-coding transcript variant (1), intron variant (2).
Genome position (GRCh38, 1-based): chr13:32,339,589, T>A. VCF-style: chr13-32339589-T-A. GRCh37 (hg19) VCF-style: chr13-32913726-T-A.
Other names: c.5234T>A, p.Met1745Lys (NM_001406719.1, NM_001406720.1, NM_001432077.1); c.1910-4969T>A (NM_001406721.1); c.425-4969T>A (NM_001406722.1); short protein forms M1745K.
Identifiers: ClinVar variation 3360818 (VCV003360818.1).
Genomic context (GRCh38, chr13:32,339,589, plus strand): 5'-CTGAAAATGACAAAAATCATCTCTCCGAAAAACAAGATACTTATTTAAGTAACAGTAGCA[T>A]GTCTAACAGCTATTCCTACCATTCTGATGAGGTATATAATGATTCAGGATATCTCTCAAA-3'
Protein context (NP_000050.3, residues 1735-1755): KQDTYLSNSS[Met1745Lys]SNSYSYHSDE